The following is an entry in ClinVar:

NM_000465.4(BARD1):c.716T>A (p.Leu239Gln)

Gene: BARD1 (BRCA1 associated RING domain 1; minus strand). Cytogenetic location: 2q35.
Variant type: single nucleotide variant.
Coding change: c.716T>A on transcript NM_000465.4 (MANE Select); coding-DNA position 716, T replaced by A.
Protein change: p.Leu239Gln; replaces leucine 239 with glutamine.
Molecular consequence: missense variant. On other transcripts: non-coding transcript variant (2), intron variant (3).
Genome position (GRCh38, 1-based): chr2:214,781,158, A>T on the plus strand (T>A on the coding strand, the complement: BARD1 is on the minus strand). VCF-style: chr2-214781158-A-T. GRCh37 (hg19) VCF-style: chr2-215645882-A-T.
Other names: p.L239Q:CTG>CAG; c.659T>A, p.Leu220Gln (NM_001282543.2); c.158+28254T>A (NM_001282548.2); c.215+15903T>A (NM_001282545.2); c.364+11139T>A (NM_001282549.2); short protein forms L239Q, L220Q.
Identifiers: ClinVar variation 127746 (VCV000127746.55), dbSNP rs200359745, ClinGen allele CA287556.

ClinVar aggregate classification (germline): Conflicting classifications of pathogenicity. Review status: criteria provided, conflicting classifications (1 of 4 stars). 21 submissions from 21 submitters: Uncertain significance (17); Likely benign (3). 1 of the submissions does not count toward it. Last evaluated 2026-01-27.

Conditions:
BARD1-related disorder. Also called: BARD1-related condition.
Breast and/or ovarian cancer. Identifiers: MedGen CN221562.
Hereditary cancer-predisposing syndrome. Also called: Neoplastic Syndromes, Hereditary; Tumor predisposition; Hereditary Cancer Syndrome; Hereditary neoplastic syndrome. Identifiers: Orphanet 140162, MedGen C0027672, MeSH D009386, MONDO:0015356.
Familial cancer of breast. Also called: hereditary breast carcinoma; Hereditary breast cancer; BREAST CANCER, FAMILIAL. Identifiers: Orphanet 227535, MedGen C0346153, MONDO:0016419, OMIM 114480. Disease mechanism: loss of function.

Allele frequency attached by ClinVar (database versions not stated): TOPMed 0.00004; gnomAD 0.00006; gnomAD exomes 0.00006 and 0.00010; ExAC 0.00010; ESP Exome Variant Server 0.00015.
gnomAD v4.1: 91 of 1,577,786 alleles (0.0058%); highest among the groups gnomAD compares: Middle Eastern, 0.15%; no homozygotes.

Submissions 1 to 8 of 23:

Labcorp Genetics (formerly Invitae), Labcorp
Classification: Uncertain significance for Familial cancer of breast. Last evaluated: 2026-01-27. Review status: criteria provided, single submitter. Criteria: Invitae Variant Classification Sherloc (09022015). Collection method: clinical testing. Allele origin: germline.
Comment: This sequence change replaces leucine, which is neutral and non-polar, with glutamine, which is neutral and polar, at codon 239 of the BARD1 protein (p.Leu239Gln). This variant is present in population databases (rs200359745, gnomAD 0.02%). This missense change has been observed in individual(s) with personal or family history of breast and/or ovarian cancer (PMID: 26976419, 31159747, 35534704, 35595798). ClinVar contains an entry for this variant (Variation ID: 127746). An algorithm developed to predict the effect of missense changes on protein structure and function outputs the following: PolyPhen-2: "Benign". The glutamine amino acid residue is found in multiple mammalian species, which suggests that this missense change does not adversely affect protein function. Experimental studies have shown that this missense change does not substantially affect BARD1 function (PMID: 30925164). Studies have shown that this missense change is associated with inconclusive levels of altered splicing (internal data). In summary, the available evidence is currently insufficient to determine the role of this variant in disease. Therefore, it has been classified as a Variant of Uncertain Significance.

Center for Genomic Medicine, Rigshospitalet, Copenhagen University Hospital
Classification: Uncertain significance. Last evaluated: 2025-12-29. Review status: criteria provided, single submitter. Criteria: ACMG Guidelines, 2015. Collection method: clinical testing. Allele origin: germline.

Women's Health and Genetics/Laboratory Corporation of America, LabCorp
Classification: Uncertain significance. Last evaluated: 2025-09-19. Review status: criteria provided, single submitter. Criteria: LabCorp Variant Classification Summary - May 2015. Collection method: clinical testing. Allele origin: germline.
Comment: Variant summary: BARD1 c.716T>A (p.Leu239Gln) results in a non-conservative amino acid change in the encoded protein sequence. Algorithms developed to predict the effect of missense changes on protein structure and function are either unavailable or do not agree on the potential impact of this missense change. The variant allele was found at a frequency of 0.0001 in 217412 control chromosomes, predominantly at a frequency of 0.00017 within the Non-Finnish European subpopulation in the gnomAD database. This frequency is not significantly higher than estimated for disease-causing variants in BARD1, allowing no conclusion about variant significance. c.716T>A has been reported in the literature in individuals with a personal or family history of breast and/or ovarian cancer (e.g. Tung_2016, Tsaousis_2019, Adamovich_2019, Guindalini_2022, Rezoug_2024, Carvalho_2020, Benito-Sanchez_2022, deOliveira_2022) and other tumor phenotypes (Adamovich_2019); however without strong evidence for causality. These reports therefore do not provide unequivocal conclusions about association of the variant with Hereditary Breast and Ovarian Cancer. One publication reported experimental evidence demonstrating that the variant protein is fully functional in homology-directed DNA repair (HDR) (Adamovich_2019). The following publications have been ascertained in the context of this evaluation (PMID: 30925164, 31275557, 31159747, 26976419, 26787654, 35264596, 39226054, 32039725, 35595798, 35534704). ClinVar contains an entry for this variant (Variation ID: 127746). Based on the evidence outlined above, the variant was classified as VUS-possibly benign.

Quest Diagnostics Nichols Institute San Juan Capistrano
Classification: Uncertain significance. Last evaluated: 2025-09-08. Review status: criteria provided, single submitter. Criteria: Quest Diagnostics criteria. Collection method: clinical testing. Allele origin: unknown.
Comment: The BARD1 c.716T>A (p.Leu239Gln) variant has been reported in the published literature in individuals with a personal or family history of breast cancer (PMID: 35264596 (2022), 26976419 (2016)) and suspected breast/ovarian cancer syndrome (PMID: 35595798 (2022), 35534704 (2022), 32039725 (2020), 31159747 (2019)). In a large scale breast cancer association study, this variant has been observed in breast cancer cases and reportedly unaffected individuals (PMID: 33471991 (2021), see also LOVD). A functional study reported that this variant has proficient DNA homology-directed repair (HDR) activity (PMID: 30925164 (2019)). The frequency of this variant in the general population (Genome Aggregation Database) is uninformative in the assessment of its pathogenicity. Analysis of this variant using bioinformatics tools for the prediction of the effect of amino acid changes on protein structure and function yielded predictions that this variant is benign. Additional analysis using software algorithms for the prediction of the effect of nucleotide changes on BARD1 mRNA splicing yielded predictions that this variant may result in the gain of a cryptic splice site without affecting the natural splice sites. Based on the available information, we are unable to determine the clinical significance of this variant.

GeneDx
Classification: Uncertain significance. Last evaluated: 2025-05-05. Review status: criteria provided, single submitter. Criteria: GeneDx Variant Classification Process June 2021. Collection method: clinical testing. Allele origin: germline. Affected: yes.
Comment: Published functional studies are inconclusive: homology-directed repair activity comparable to wild type, but may cause abnormal splicing (PMID: 30925164, 31275557); Observed in individuals with personal or family history of breast or other cancers and also in unaffected controls (PMID: 26976419, 31159747, 32039725, 33471991, 35264596, 35534704); In silico analysis suggests that this missense variant does not alter protein structure/function; In silico analysis supports a deleterious effect on splicing; This variant is associated with the following publications: (PMID: 32039725, 26976419, 26787654, 27720647, 30925164, 31159747, 31275557, 35595798, 33471991, 35264596, 35534704)

PreventionGenetics, part of Exact Sciences
Classification: Uncertain significance for BARD1-related condition. Last evaluated: 2025-04-08. Review status: criteria provided, single submitter. Criteria: ACMG Guidelines, 2015. Collection method: clinical testing. Allele origin: germline.
Comment: The BARD1 c.716T>A variant is predicted to result in the amino acid substitution p.Leu239Gln. This variant has been reported in individuals with breast cancer (Table A2, Tung et al 2016. PubMed ID: 26976419; Table S1, Young et al. 2016. PubMed ID: 26787654; Guindalini et al. 2022. PubMed ID: 35264596). This variant is reported in 0.016% of alleles in individuals of European (Non-Finnish) descent in gnomAD and has conflicting interpretations regarding its pathogenicity in ClinVar, ranging from likely benign to uncertain. At this time, the clinical significance of this variant is uncertain due to the absence of conclusive functional and genetic evidence.

KCCC/NGS Laboratory, Kuwait Cancer Control Center
Classification: Uncertain significance for Familial cancer of breast. Last evaluated: 2024-12-16. Review status: criteria provided, single submitter. Criteria: ACMG Guidelines, 2015. Collection method: clinical testing. Allele origin: germline. Inheritance: Autosomal dominant inheritance. Affected: yes. Observed: 1 heterozygote.
Comment: This sequence change replaces leucine, which is neutral and non-polar, with glutamine, which is neutral and polar, at codon 239 of the BARD1 protein (p.Leu239Gln). This variant is present in population databases (rs200359745, gnomAD 0.02%). This amino acid position is poorly conserved. This missense change has been observed in individual(s) with personal or family history of breast and/or ovarian cancer (PMID: 26976419, 31159747, 35595798). ClinVar contains an entry for this variant (Variation ID: 127746). In addition, this alteration is predicted to be tolerated by in silico analysis. In summary, the available evidence is currently insufficient to determine the role of this variant in disease. Therefore, it has been classified as a Variant of Uncertain Significance.

Color Diagnostics, LLC DBA Color Health
Classification: Likely benign for Hereditary cancer-predisposing syndrome. Last evaluated: 2024-09-19. Review status: criteria provided, single submitter. Criteria: ACMG Guidelines, 2015. Collection method: clinical testing. Allele origin: germline.